The following is an entry in ClinVar:

NM_001130823.3(DNMT1):c.3056A>G (p.Lys1019Arg)

Gene: DNMT1 (DNA methyltransferase 1; minus strand). Cytogenetic location: 19p13.2.
Variant type: single nucleotide variant.
Coding change: c.3056A>G on transcript NM_001130823.3 (MANE Select); coding-DNA position 3056, A replaced by G.
Protein change: p.Lys1019Arg; replaces lysine 1019 with arginine.
Molecular consequence: missense variant.
Genome position (GRCh38, 1-based): chr19:10,143,826, T>C on the plus strand (A>G on the coding strand, the complement: DNMT1 is on the minus strand). VCF-style: chr19-10143826-T-C. GRCh37 (hg19) VCF-style: chr19-10254502-T-C.
Other names: c.3008A>G, p.Lys1003Arg (NM_001318730.2, NM_001379.4); c.2693A>G, p.Lys898Arg (NM_001318731.2); short protein forms K1003R, K1019R, K898R.
Identifiers: ClinVar variation 1009531 (VCV001009531.8), dbSNP rs2089648576, ClinGen allele CA403975713.

ClinVar aggregate classification (germline): Uncertain significance (1 of 4 stars; one submission).

Conditions:
Hereditary sensory neuropathy-deafness-dementia syndrome. Also called: Hereditary Sensory and Autonomic Neuropathy Type 1E (HSAN1E); HSN IE; Hereditary sensory neuropathy type IE; NEUROPATHY, HEREDITARY SENSORY, WITH HEARING LOSS AND DEMENTIA. Identifiers: Orphanet 456318, MedGen C3279885, MONDO:0013584, OMIM 614116.

Allele frequency attached by ClinVar (database versions not stated): gnomAD exomes below 0.00001.
gnomAD v4.1: 1 of 1,614,176 alleles (0.000062%); highest among the groups gnomAD compares: Non-Finnish European, 0.000085%; no homozygotes.

Submission:

Labcorp Genetics (formerly Invitae), Labcorp
Classification: Uncertain significance for Hereditary sensory neuropathy-deafness-dementia syndrome. Last evaluated: 2023-10-15. Review status: criteria provided, single submitter. Criteria: Invitae Variant Classification Sherloc (09022015). Collection method: clinical testing. Allele origin: germline.
Comment: This sequence change replaces lysine, which is basic and polar, with arginine, which is basic and polar, at codon 1019 of the DNMT1 protein (p.Lys1019Arg). This variant is not present in population databases (gnomAD no frequency). This variant has not been reported in the literature in individuals affected with DNMT1-related conditions. ClinVar contains an entry for this variant (Variation ID: 1009531). Advanced modeling of protein sequence and biophysical properties (such as structural, functional, and spatial information, amino acid conservation, physicochemical variation, residue mobility, and thermodynamic stability) performed at Invitae indicates that this missense variant is not expected to disrupt DNMT1 protein function. In summary, the available evidence is currently insufficient to determine the role of this variant in disease. Therefore, it has been classified as a Variant of Uncertain Significance.